The following is an entry in ClinVar:

NM_001197293.3(DPYSL2):c.1587A>C (p.Thr529=)

Gene: DPYSL2 (dihydropyrimidinase like 2; plus strand). Cytogenetic location: 8p21.2.
Variant type: single nucleotide variant.
Coding change: c.1587A>C on transcript NM_001197293.3 (MANE Select); coding-DNA position 1587, A replaced by C.
Protein change: p.Thr529=; no amino-acid change (threonine 529 retained).
Molecular consequence: synonymous variant.
Genome position (GRCh38, 1-based): chr8:26,647,791, A>C. VCF-style: chr8-26647791-A-C. GRCh37 (hg19) VCF-style: chr8-26505307-A-C.
Other names: c.1164A>C, p.Thr388= (NM_001244604.2); c.1272A>C, p.Thr424= (NM_001386.6).
Identifiers: ClinVar variation 719806 (VCV000719806.9), dbSNP rs139163162, ClinGen allele CA4686704.

ClinVar aggregate classification (germline): Likely benign. Review status: criteria provided, multiple submitters, no conflicts (2 of 4 stars). 2 submissions from 2 submitters: Likely benign (2). Last evaluated 2025-11-01.

Allele frequency attached by ClinVar (database versions not stated): 1000 Genomes Project 0.00040; 1000 Genomes Project 30x 0.00047; ESP Exome Variant Server 0.00108; TOPMed 0.00112; gnomAD 0.00120.
gnomAD v4.1: 2,039 of 1,613,254 alleles (0.13%); highest among the groups gnomAD compares: Non-Finnish European, 0.15%; 6 homozygotes.

Submissions (2):

CeGaT Center for Human Genetics Tuebingen
Classification: Likely benign. Last evaluated: 2025-11-01. Review status: criteria provided, single submitter. Criteria: CeGaT Center For Human Genetics Tuebingen Variant Classification Criteria Version 2. Collection method: clinical testing. Allele origin: germline. Affected: yes. Observed: 2 variant alleles.
Comment: DPYSL2: BP4, BP7

Labcorp Genetics (formerly Invitae), Labcorp
Classification: Likely benign. Last evaluated: 2018-05-04. Review status: criteria provided, single submitter. Criteria: Invitae Variant Classification Sherloc (09022015). Collection method: clinical testing. Allele origin: germline.